The following is an entry in ClinVar:

NM_001040108.2(MLH3):c.2844T>G (p.Asn948Lys)

Gene: MLH3 (mutL homolog 3; minus strand). Cytogenetic location: 14q24.3.
Variant type: single nucleotide variant.
Coding change: c.2844T>G on transcript NM_001040108.2 (MANE Select); coding-DNA position 2844, T replaced by G.
Protein change: p.Asn948Lys; replaces asparagine 948 with lysine.
Molecular consequence: missense variant.
Genome position (GRCh38, 1-based): chr14:75,046,812, A>C on the plus strand (T>G on the coding strand, the complement: MLH3 is on the minus strand). VCF-style: chr14-75046812-A-C. GRCh37 (hg19) VCF-style: chr14-75513515-A-C.
Other names: c.2844T>G, p.Asn948Lys (NM_014381.3); short protein forms N948K.
Identifiers: ClinVar variation 5024656 (VCV005024656.1).

ClinVar aggregate classification (germline): Uncertain significance (1 of 4 stars; one submission).

Submission:

Ambry Genetics
Classification: Uncertain significance. Last evaluated: 2026-09-14. Review status: criteria provided, single submitter. Criteria: Ambry Variant Classification Scheme 2023. Collection method: clinical testing. Allele origin: germline.
Comment: The p.N948K variant (also known as c.2844T>G), located in coding exon 1 of the MLH3 gene, results from a T to G substitution at nucleotide position 2844. The asparagine at codon 948 is replaced by lysine, an amino acid with similar properties. This amino acid position is conserved. In addition, this alteration is predicted to be tolerated by in silico analysis. Based on the available evidence, the clinical significance of this variant remains unclear.